The following is an entry in ClinVar:

ClinVar aggregate classification (germline): Uncertain significance (1 of 4 stars; one submission).

Conditions:
Juvenile polyposis syndrome (JPS). Identifiers: Orphanet 2929, MedGen C0345893, MONDO:0017380, OMIM 174900.

Submission:

Labcorp Genetics (formerly Invitae), Labcorp
Classification: Uncertain significance for Juvenile polyposis syndrome. Last evaluated: 2022-03-14. Review status: criteria provided, single submitter. Criteria: Invitae Variant Classification Sherloc (09022015). Collection method: clinical testing. Allele origin: germline.
Comment: This sequence change replaces tyrosine, which is neutral and polar, with aspartic acid, which is acidic and polar, at codon 114 of the SMAD4 protein (p.Tyr114Asp). In summary, the available evidence is currently insufficient to determine the role of this variant in disease. Therefore, it has been classified as a Variant of Uncertain Significance. Advanced modeling of protein sequence and biophysical properties (such as structural, functional, and spatial information, amino acid conservation, physicochemical variation, residue mobility, and thermodynamic stability) performed at Invitae indicates that this missense variant is not expected to disrupt SMAD4 protein function. This variant has not been reported in the literature in individuals affected with SMAD4-related conditions. This variant is not present in population databases (gnomAD no frequency).

NM_005359.6(SMAD4):c.340T>G (p.Tyr114Asp)

Gene: SMAD4 (SMAD family member 4; plus strand). Cytogenetic location: 18q21.2.
Variant type: single nucleotide variant.
Coding change: c.340T>G on transcript NM_005359.6 (MANE Select); coding-DNA position 340, T replaced by G.
Protein change: p.Tyr114Asp; replaces tyrosine 114 with aspartic acid.
Molecular consequence: missense variant.
Genome position (GRCh38, 1-based): chr18:51,048,776, T>G. VCF-style: chr18-51048776-T-G. GRCh37 (hg19) VCF-style: chr18-48575146-T-G.
Other names: c.340T>G, p.Tyr114Asp (NM_001407041.1, NM_001407042.1, NM_001407043.1); short protein forms Y114D.
Identifiers: ClinVar variation 2111706 (VCV002111706.4), dbSNP rs1555685170, ClinGen allele CA402458424.
Genomic context (GRCh38, chr18:51,048,776, plus strand): 5'-ATCTATGCCCGTCTCTGGAGGTGGCCTGATCTTCACAAAAATGAACTAAAACATGTTAAA[T>G]ATTGTCAGTATGCGTTTGACTTAAAATGTGATAGTGTCTGTGTGAATCCATATCACTACG-3'
Protein context (NP_005350.1, residues 104-124): LHKNELKHVK[Tyr114Asp]CQYAFDLKCD